The following is an entry in ClinVar:

NM_033026.6(PCLO):c.12209A>G (p.Glu4070Gly)

Gene: PCLO (piccolo presynaptic cytomatrix protein; minus strand). Cytogenetic location: 7q21.11.
Variant type: single nucleotide variant.
Coding change: c.12209A>G on transcript NM_033026.6 (MANE Select); coding-DNA position 12209, A replaced by G.
Protein change: p.Glu4070Gly; replaces glutamic acid 4070 with glycine.
Molecular consequence: missense variant.
Genome position (GRCh38, 1-based): chr7:82,915,777, T>C on the plus strand (A>G on the coding strand, the complement: PCLO is on the minus strand). VCF-style: chr7-82915777-T-C. GRCh37 (hg19) VCF-style: chr7-82545093-T-C.
Other names: c.12209A>G, p.Glu4070Gly (NM_014510.3); short protein forms E4070G.
Identifiers: ClinVar variation 3704556 (VCV003704556.2).

ClinVar aggregate classification (germline): Uncertain significance (1 of 4 stars; one submission).

gnomAD v4.1: 12 of 1,612,526 alleles (0.00074%); highest among the groups gnomAD compares: East Asian, 0.0022%; no homozygotes.

Submission:

Labcorp Genetics (formerly Invitae), Labcorp
Classification: Uncertain significance. Last evaluated: 2024-10-15. Review status: criteria provided, single submitter. Criteria: Invitae Variant Classification Sherloc (09022015). Collection method: clinical testing. Allele origin: germline.
Comment: This sequence change replaces glutamic acid, which is acidic and polar, with glycine, which is neutral and non-polar, at codon 4070 of the PCLO protein (p.Glu4070Gly). This variant is present in population databases (no rsID available, gnomAD 0.0009%). This variant has not been reported in the literature in individuals affected with PCLO-related conditions. Experimental studies and prediction algorithms are not available or were not evaluated, and the functional significance of this variant is currently unknown. In summary, the available evidence is currently insufficient to determine the role of this variant in disease. Therefore, it has been classified as a Variant of Uncertain Significance.